The following is an entry in ClinVar:

NM_017791.3(FLVCR2):c.451C>T (p.Arg151Cys)

Genes: FLVCR2 (FLVCR choline and putative heme transporter 2; plus strand), FLVCR2-AS1 (FLVCR2 antisense RNA 1; minus strand). Cytogenetic location: 14q24.3.
Variant type: single nucleotide variant.
Coding change: c.451C>T on transcript NM_017791.3 (MANE Select); coding-DNA position 451, C replaced by T.
Protein change: p.Arg151Cys; replaces arginine 151 with cysteine.
Molecular consequence: missense variant. On other transcripts: non-coding transcript variant (1).
Genome position (GRCh38, 1-based): chr14:75,579,423, C>T. VCF-style: chr14-75579423-C-T. GRCh37 (hg19) VCF-style: chr14-76045766-C-T.
Other names: short protein forms R151C.
Identifiers: ClinVar variation 5018555 (VCV005018555.2).

ClinVar aggregate classification (germline): Uncertain significance (1 of 4 stars; one submission).

Conditions:
Proliferative vasculopathy and hydranencephaly-hydrocephaly syndrome. Also called: Fowler syndrome; ENCEPHALOCLASTIC PROLIFERATIVE VASCULOPATHY; HYDRANENCEPHALY, FOWLER TYPE; HYDROCEPHALY/HYDRANENCEPHALY DUE TO CEREBRAL VASCULOPATHY. Identifiers: Orphanet 221126, MedGen C1856972, MONDO:0009168, OMIM 225790.

Submission:

Juno Genomics, Hangzhou Juno Genomics, Inc
Classification: Uncertain significance for Proliferative vasculopathy and hydranencephaly-hydrocephaly syndrome. Review status: criteria provided, single submitter. Criteria: ACMG Guidelines, 2015. Collection method: clinical testing. Allele origin: germline.
Comment: Absent from controls (or at extremely low frequency if recessive) in Genome Aggregation Database.;Multiple lines of computational evidence support a deleterious effect on the gene or gene product.